The following is an entry in ClinVar:

ClinVar aggregate classification (germline): Uncertain significance (1 of 4 stars; one submission).

Submission:

GeneDx
Classification: Uncertain significance. Last evaluated: 2025-04-22. Review status: criteria provided, single submitter. Criteria: GeneDx Variant Classification Process June 2021. Collection method: clinical testing. Allele origin: germline. Affected: yes.
Comment: Not observed at significant frequency in large population cohorts (gnomAD); In silico analysis supports that this missense variant has a deleterious effect on protein structure/function; Has not been previously published as pathogenic or benign to our knowledge

NM_001123385.2(BCOR):c.1822C>A (p.His608Asn)

Gene: BCOR (BCL6 corepressor; minus strand). Cytogenetic location: Xp11.4.
Variant type: single nucleotide variant.
Coding change: c.1822C>A on transcript NM_001123385.2 (MANE Select); coding-DNA position 1822, C replaced by A.
Protein change: p.His608Asn; replaces histidine 608 with asparagine.
Molecular consequence: missense variant.
Genome position (GRCh38, 1-based): chrX:40,073,524, G>T on the plus strand (C>A on the coding strand, the complement: BCOR is on the minus strand). VCF-style: chrX-40073524-G-T. GRCh37 (hg19) VCF-style: chrX-39932777-G-T.
Other names: c.1822C>A, p.His608Asn (NM_001123383.2, NM_001123384.2, NM_017745.6); short protein forms H608N.
Identifiers: ClinVar variation 3602351 (VCV003602351.1).
Genomic context (GRCh38, chrX:40,073,524, plus strand): 5'-CTTTGAAACTCGGTTCTGGGTTGCTGGCTTTGGCGCCCTTGCTGCTGGTGCTGCTACTGT[G>T]CTTGGCAGGAGTGGCCGGGGGCTGGCCCACGTGCTGAATAACGGATGGTGTGGTTTCTAC-3'
Protein context (NP_001116857.1, residues 598-618): VGQPPATPAK[His608Asn]SSSTSSKGAK